The following is an entry in ClinVar:

ClinVar aggregate classification (germline): Likely benign. Review status: criteria provided, multiple submitters, no conflicts (2 of 4 stars). 2 submissions from 2 submitters: Likely benign (2). Last evaluated 2026-06-20.

Conditions:
Hereditary cancer-predisposing syndrome. Also called: Hereditary Cancer Syndrome; Neoplastic Syndromes, Hereditary; Tumor predisposition; Hereditary neoplastic syndrome. Identifiers: Orphanet 140162, MedGen C0027672, MeSH D009386, MONDO:0015356.

Submissions (2):

Ambry Genetics
Classification: Likely benign for Hereditary cancer-predisposing syndrome. Last evaluated: 2026-06-20. Review status: criteria provided, single submitter. Criteria: Ambry Variant Classification Scheme 2023. Collection method: clinical testing. Allele origin: germline.

CeGaT Center for Human Genetics Tuebingen
Classification: Likely benign. Last evaluated: 2025-08-01. Review status: criteria provided, single submitter. Criteria: CeGaT Center For Human Genetics Tuebingen Variant Classification Criteria Version 2. Collection method: clinical testing. Allele origin: germline. Affected: yes. Observed: 1 variant allele.
Comment: SMARCA4: PM2:Supporting, BP4, BP7

NM_003072.5(SMARCA4):c.3984C>T (p.Ala1328=)

Gene: SMARCA4 (SWI/SNF related BAF chromatin remodeling complex subunit ATPase 4; plus strand). Cytogenetic location: 19p13.2.
Variant type: single nucleotide variant.
Coding change: c.3984C>T on transcript NM_003072.5 (MANE Select); coding-DNA position 3984, C replaced by T.
Protein change: p.Ala1328=; no amino-acid change (alanine 1328 retained).
Molecular consequence: synonymous variant. On other transcripts: non-coding transcript variant (1).
Genome position (GRCh38, 1-based): chr19:11,034,946, C>T. VCF-style: chr19-11034946-C-T. GRCh37 (hg19) VCF-style: chr19-11145622-C-T.
Other names: c.3984C>T, p.Ala1328= (NM_001128844.3, NM_001128849.3, NM_001387283.1); c.3885C>T, p.Ala1295= (NM_001128845.2, NM_001128846.2, NM_001128847.4 and 3 more transcripts); c.3984C>T (NM_001128849.1).
Identifiers: ClinVar variation 4085791 (VCV004085791.9).